The following is an entry in ClinVar:

NM_002691.4(POLD1):c.1776-7_1840del

Gene: POLD1 (DNA polymerase delta 1, catalytic subunit; plus strand). Cytogenetic location: 19q13.33.
Variant type: Deletion.
Coding change: c.1776-7_1840del on transcript NM_002691.4 (MANE Select); 7 bases into the intron before coding-DNA position 1776 through coding-DNA position 1840, 72 bases deleted.
Molecular consequence: splice acceptor variant.
Genome position (GRCh38, 1-based): chr19:50,408,778-50,408,849, 72 bases deleted. GRCh37 (hg19): chr19:50,912,035-50,912,106.
Other names: c.1847_1918del, p.Pro616_Ala639del (NM_001308632.1); c.1776-7_1840del (NM_001256849.1).
Identifiers: ClinVar variation 3729915 (VCV003729915.2).

ClinVar aggregate classification (germline): Uncertain significance (1 of 4 stars; one submission).

Conditions:
POLD1-related polyposis and colorectal cancer syndrome (CRCS10). Also called: Colorectal cancer 10; COLORECTAL CANCER, SUSCEPTIBILITY TO, ON CHROMOSOME 19q; Colorectal cancer, susceptibility to, 10. Identifiers: Orphanet 220460, MedGen C2675481, MONDO:0012953, OMIM 612591.

Submission:

Labcorp Genetics (formerly Invitae), Labcorp
Classification: Uncertain significance for POLD1-related polyposis and colorectal cancer syndrome. Last evaluated: 2025-02-02. Review status: criteria provided, single submitter. Criteria: Invitae Variant Classification Sherloc (09022015). Collection method: clinical testing. Allele origin: germline.
Comment: This variant results in the deletion of part of exon 15 (c.1776-7_1840del) of the POLD1 gene. It is expected to disrupt RNA splicing. Variants that disrupt the donor or acceptor splice site typically lead to a loss of protein function (PMID: 16199547), however the current clinical and genetic evidence is not sufficient to establish whether loss-of-function variants in POLD1 cause disease. This variant is not present in population databases (gnomAD no frequency). This variant has not been reported in the literature in individuals affected with POLD1-related conditions. In summary, the available evidence is currently insufficient to determine the role of this variant in disease. Therefore, it has been classified as a Variant of Uncertain Significance.

Literature cited by the submitters: PubMed 16199547.